The following is an entry in ClinVar:

ClinVar aggregate classification (germline): Conflicting classifications of pathogenicity. Review status: criteria provided, conflicting classifications (1 of 4 stars). 2 submissions from 2 submitters: Uncertain significance (1); Likely benign (1). Last evaluated 2026-06-04.

Conditions:
Renal cell carcinoma. Identifiers: Orphanet 217071, MedGen C0007134, MeSH D002292, MONDO:0005086, HP:0005584.
Hereditary cancer-predisposing syndrome. Also called: Tumor predisposition; Hereditary neoplastic syndrome; Neoplastic Syndromes, Hereditary; Hereditary Cancer Syndrome. Identifiers: Orphanet 140162, MedGen C0027672, MeSH D009386, MONDO:0015356.

Submissions (2):

Ambry Genetics
Classification: Likely benign for Hereditary cancer-predisposing syndrome. Last evaluated: 2026-06-04. Review status: criteria provided, single submitter. Criteria: Ambry Variant Classification Scheme 2023. Collection method: clinical testing. Allele origin: germline.

Labcorp Genetics (formerly Invitae), Labcorp
Classification: Uncertain significance for Renal cell carcinoma. Last evaluated: 2022-11-13. Review status: criteria provided, single submitter. Criteria: Invitae Variant Classification Sherloc (09022015). Collection method: clinical testing. Allele origin: germline.
Comment: In summary, the available evidence is currently insufficient to determine the role of this variant in disease. Therefore, it has been classified as a Variant of Uncertain Significance. This sequence change replaces threonine, which is neutral and polar, with serine, which is neutral and polar, at codon 47 of the MET protein (p.Thr47Ser). Advanced modeling of protein sequence and biophysical properties (such as structural, functional, and spatial information, amino acid conservation, physicochemical variation, residue mobility, and thermodynamic stability) performed at Invitae indicates that this missense variant is not expected to disrupt MET protein function. This variant has not been reported in the literature in individuals affected with MET-related conditions. This variant is not present in population databases (gnomAD no frequency).

NM_000245.4(MET):c.139A>T (p.Thr47Ser)

Gene: MET (MET proto-oncogene, receptor tyrosine kinase; plus strand). Cytogenetic location: 7q31.2.
Variant type: single nucleotide variant.
Coding change: c.139A>T on transcript NM_000245.4 (MANE Select); coding-DNA position 139, A replaced by T.
Protein change: p.Thr47Ser; replaces threonine 47 with serine.
Molecular consequence: missense variant. On other transcripts: intron variant (1).
Genome position (GRCh38, 1-based): chr7:116,699,223, A>T. VCF-style: chr7-116699223-A-T. GRCh37 (hg19) VCF-style: chr7-116339277-A-T.
Other names: c.139A>T, p.Thr47Ser (NM_001127500.3, NM_001324401.3); c.-91+26646A>T (NM_001324402.2); short protein forms T47S.
Identifiers: ClinVar variation 2814023 (VCV002814023.4), dbSNP rs2116581295, ClinGen allele CA368968430.
Genomic context (GRCh38, chr7:116,699,223, plus strand): 5'-AAAGAGGCACTAGCAAAGTCCGAGATGAATGTGAATATGAAGTATCAGCTTCCCAACTTC[A>T]CCGCGGAAACACCCATCCAGAATGTCATTCTACATGAGCATCACATTTTCCTTGGTGCCA-3'
Protein context (NP_000236.2, residues 37-57): VNMKYQLPNF[Thr47Ser]AETPIQNVIL